The following is an entry in ClinVar:

ClinVar aggregate classification (germline): Uncertain significance. Review status: criteria provided, multiple submitters, no conflicts (2 of 4 stars). 5 submissions from 5 submitters: Uncertain significance (3). 2 of the submissions do not count toward it. Last evaluated 2025-08-01.

Conditions:
BBS1-related disorder. Also called: BBS1-related condition.
Inborn genetic diseases. Identifiers: MedGen C0950123, MeSH D030342.
Bardet-Biedl syndrome 1 (BBS1). Identifiers: MedGen C2936862, MONDO:0008854, OMIM 209900. Disease mechanism: loss of function.
Bardet-Biedl syndrome (BBS). Identifiers: Orphanet 110, MedGen C0752166, MONDO:0015229.

Allele frequency attached by ClinVar (database versions not stated): TOPMed 0.00005.
gnomAD v4.1: 12 of 1,605,562 alleles (0.00075%); highest among the groups gnomAD compares: Admixed American, 0.018%; no homozygotes.

Submissions (5):

Ambry Genetics
Classification: Uncertain significance for Inborn genetic diseases. Last evaluated: 2025-08-01. Review status: criteria provided, single submitter. Criteria: Ambry Variant Classification Scheme 2023. Collection method: clinical testing. Allele origin: germline.

Fulgent Genetics
Classification: Uncertain significance for Bardet-Biedl syndrome 1. Last evaluated: 2021-11-15. Review status: criteria provided, single submitter. Criteria: ACMG Guidelines, 2015. Collection method: clinical testing. Allele origin: unknown.

Labcorp Genetics (formerly Invitae), Labcorp
Classification: Uncertain significance for Bardet-Biedl syndrome. Last evaluated: 2021-08-27. Review status: criteria provided, single submitter. Criteria: Invitae Variant Classification Sherloc (09022015). Collection method: clinical testing. Allele origin: germline.
Comment: This sequence change replaces threonine with lysine at codon 480 of the BBS1 protein (p.Thr480Lys). The threonine residue is weakly conserved and there is a moderate physicochemical difference between threonine and lysine. This variant is present in population databases (rs374706769, ExAC 0.04%). This variant has not been reported in the literature in individuals affected with BBS1-related conditions. Algorithms developed to predict the effect of missense changes on protein structure and function (SIFT, PolyPhen-2, Align-GVGD) all suggest that this variant is likely to be tolerated. In summary, the available evidence is currently insufficient to determine the role of this variant in disease. Therefore, it has been classified as a Variant of Uncertain Significance.

PreventionGenetics, part of Exact Sciences
Classification: Uncertain significance for BBS1-related condition. Last evaluated: 2024-06-18. Review status: no assertion criteria provided. Collection method: clinical testing. Allele origin: germline. Not counted in ClinVar's aggregate classification.
Comment: The BBS1 c.1439C>A variant is predicted to result in the amino acid substitution p.Thr480Lys. To our knowledge, this variant has not been reported in the literature. This variant is reported in 0.026% of alleles in individuals of Latino descent in gnomAD. At this time, the clinical significance of this variant is uncertain due to the absence of conclusive functional and genetic evidence.

Natera, Inc.
Classification: Uncertain significance for Bardet-Biedl syndrome type 1. Last evaluated: 2019-10-28. Review status: no assertion criteria provided. Collection method: clinical testing. Allele origin: germline. Not counted in ClinVar's aggregate classification.

NM_024649.5(BBS1):c.1439C>A (p.Thr480Lys)

Genes: BBS1 (Bardet-Biedl syndrome 1; plus strand), ZDHHC24 (zDHHC palmitoyltransferase 24; minus strand). Cytogenetic location: 11q13.2.
Variant type: single nucleotide variant.
Coding change: c.1439C>A on transcript NM_024649.5 (MANE Select); coding-DNA position 1439, C replaced by A.
Protein change: p.Thr480Lys; replaces threonine 480 with lysine.
Molecular consequence: missense variant. On other transcripts: intron variant (1).
Genome position (GRCh38, 1-based): chr11:66,529,918, C>A. VCF-style: chr11-66529918-C-A. GRCh37 (hg19) VCF-style: chr11-66297389-C-A.
Other names: c.560-430G>T (NM_001348571.2); short protein forms T480K.
Identifiers: ClinVar variation 531828 (VCV000531828.10), dbSNP rs374706769, ClinGen allele CA6123766.